The following is an entry in ClinVar:

NM_000601.6(HGF):c.1745T>C (p.Met582Thr)

Gene: HGF (hepatocyte growth factor; minus strand). Cytogenetic location: 7q21.11.
Variant type: single nucleotide variant.
Coding change: c.1745T>C on transcript NM_000601.6 (MANE Select); coding-DNA position 1745, T replaced by C.
Protein change: p.Met582Thr; replaces methionine 582 with threonine.
Molecular consequence: missense variant.
Genome position (GRCh38, 1-based): chr7:81,706,299, A>G on the plus strand (T>C on the coding strand, the complement: HGF is on the minus strand). VCF-style: chr7-81706299-A-G. GRCh37 (hg19) VCF-style: chr7-81335615-A-G.
Other names: c.1730T>C, p.Met577Thr (NM_001010932.3); short protein forms M577T, M582T.
Identifiers: ClinVar variation 4745362 (VCV004745362.1).
Genomic context (GRCh38, chr7:81,706,299, plus strand): 5'-ACAATTCTTGTCCAGGTGAAAAATACAAAATCTTCTAAAGTAACTAACCTGGCAAGCTTC[A>G]TTAAAACCAGATCTGATCCTTCAGGGCCATATACCAGCTGGGAAACATTGAGAACCTGTT-3'
Protein context (NP_000592.3, residues 572-592): YGPEGSDLVL[Met582Thr]KLARPAVLDD

ClinVar aggregate classification (germline): Uncertain significance (1 of 4 stars; one submission).

Submission:

Labcorp Genetics (formerly Invitae), Labcorp
Classification: Uncertain significance. Last evaluated: 2025-09-22. Review status: criteria provided, single submitter. Criteria: Invitae Variant Classification Sherloc (09022015). Collection method: clinical testing. Allele origin: germline.
Comment: This sequence change replaces methionine, which is neutral and non-polar, with threonine, which is neutral and polar, at codon 582 of the HGF protein (p.Met582Thr). This variant is present in population databases (rs765831517, gnomAD 0.002%). This variant has not been reported in the literature in individuals affected with HGF-related conditions. An algorithm developed to predict the effect of missense changes on protein structure and function (PolyPhen-2) suggests that this variant is likely to be tolerated. In summary, the available evidence is currently insufficient to determine the role of this variant in disease. Therefore, it has been classified as a Variant of Uncertain Significance.